The following is an entry in ClinVar:

ClinVar aggregate classification (germline): Uncertain significance. Review status: criteria provided, multiple submitters, no conflicts (2 of 4 stars). 2 submissions from 2 submitters: Uncertain significance (2). Last evaluated 2023-05-24.

Allele frequency attached by ClinVar (database versions not stated): TOPMed below 0.00001; gnomAD 0.00001; gnomAD exomes 0.00003 and 0.00008; ExAC 0.00007.
gnomAD v4.1: 48 of 1,610,220 alleles (0.003%); highest among the groups gnomAD compares: South Asian, 0.048%; no homozygotes.

Submissions (2):

Ambry Genetics
Classification: Uncertain significance. Last evaluated: 2023-05-24. Review status: criteria provided, single submitter. Criteria: Ambry Variant Classification Scheme 2023. Collection method: clinical testing. Allele origin: germline.

Labcorp Genetics (formerly Invitae), Labcorp
Classification: Uncertain significance. Last evaluated: 2023-01-09. Review status: criteria provided, single submitter. Criteria: Invitae Variant Classification Sherloc (09022015). Collection method: clinical testing. Allele origin: germline.
Comment: ClinVar contains an entry for this variant (Variation ID: 1006217). In summary, the available evidence is currently insufficient to determine the role of this variant in disease. Therefore, it has been classified as a Variant of Uncertain Significance. Algorithms developed to predict the effect of missense changes on protein structure and function (SIFT, PolyPhen-2, Align-GVGD) all suggest that this variant is likely to be disruptive. This variant has not been reported in the literature in individuals affected with ADGRA3-related conditions. This variant is present in population databases (rs759676986, gnomAD 0.07%), and has an allele count higher than expected for a pathogenic variant. This sequence change replaces threonine, which is neutral and polar, with alanine, which is neutral and non-polar, at codon 819 of the ADGRA3 protein (p.Thr819Ala).

NM_145290.4(ADGRA3):c.2455A>G (p.Thr819Ala)

Gene: ADGRA3 (adhesion G protein-coupled receptor A3; minus strand). Cytogenetic location: 4p15.2.
Variant type: single nucleotide variant.
Coding change: c.2455A>G on transcript NM_145290.4 (MANE Select); coding-DNA position 2455, A replaced by G.
Protein change: p.Thr819Ala; replaces threonine 819 with alanine.
Molecular consequence: missense variant.
Genome position (GRCh38, 1-based): chr4:22,401,457, T>C on the plus strand (A>G on the coding strand, the complement: ADGRA3 is on the minus strand). VCF-style: chr4-22401457-T-C. GRCh37 (hg19) VCF-style: chr4-22403080-T-C.
Other names: c.2455A>G (NM_145290.2); short protein forms T819A.
Identifiers: ClinVar variation 1006217 (VCV001006217.13), dbSNP rs759676986, ClinGen allele CA2873633.
Genomic context (GRCh38, chr4:22,401,457, plus strand): 5'-ATTTTTTCCATTTCGGTTTTTCACTCTGACTTACTGCTTGGCAGATGCTGGCATTCCTAG[T>C]CTGGGTTATTCCTCCCACAAAGACCACACAGGTTAGGAAAATATGAAAGCACAAGTTCAC-3'
Protein context (NP_660333.2, residues 809-829): CVVFVGGITQ[Thr819Ala]RNASICQAVG